The following is an entry in ClinVar:

ClinVar aggregate classification (germline): Uncertain significance. Review status: criteria provided, multiple submitters, no conflicts (2 of 4 stars). 2 submissions from 2 submitters: Uncertain significance (2). Last evaluated 2025-03-14.

Conditions:
Pure or complex autosomal recessive spastic paraplegia. Identifiers: Orphanet 320346, MedGen C5679887, MONDO:0017915.

Allele frequency attached by ClinVar (database versions not stated): gnomAD exomes below 0.00001; ExAC 0.00001; TOPMed 0.00001.
gnomAD v4.1: 3 of 1,611,638 alleles (0.00019%); highest among the groups gnomAD compares: Non-Finnish European, 0.00025%; no homozygotes.

Submissions (2):

Ambry Genetics
Classification: Uncertain significance. Last evaluated: 2025-03-14. Review status: criteria provided, single submitter. Criteria: Ambry Variant Classification Scheme 2023. Collection method: clinical testing. Allele origin: germline.

Labcorp Genetics (formerly Invitae), Labcorp
Classification: Uncertain significance for Pure or complex autosomal recessive spastic paraplegia. Last evaluated: 2019-10-23. Review status: criteria provided, single submitter. Criteria: Invitae Variant Classification Sherloc (09022015). Collection method: clinical testing. Allele origin: germline.
Comment: This sequence change replaces alanine with glycine at codon 833 of the ZFR protein (p.Ala833Gly). The alanine residue is highly conserved and there is a small physicochemical difference between alanine and glycine. This variant has not been reported in the literature in individuals with ZFR-related conditions. This variant is present in population databases (rs772175973, ExAC 0.002%). In summary, the available evidence is currently insufficient to determine the role of this variant in disease. Therefore, it has been classified as a Variant of Uncertain Significance.

NM_016107.5(ZFR):c.2498C>G (p.Ala833Gly)

Gene: ZFR (zinc finger RNA binding protein; minus strand). Cytogenetic location: 5p13.3.
Variant type: single nucleotide variant.
Coding change: c.2498C>G on transcript NM_016107.5 (MANE Select); coding-DNA position 2498, C replaced by G.
Protein change: p.Ala833Gly; replaces alanine 833 with glycine.
Molecular consequence: missense variant. On other transcripts: non-coding transcript variant (1).
Genome position (GRCh38, 1-based): chr5:32,387,550, G>C on the plus strand (C>G on the coding strand, the complement: ZFR is on the minus strand). VCF-style: chr5-32387550-G-C. GRCh37 (hg19) VCF-style: chr5-32387656-G-C.
Other names: short protein forms A833G.
Identifiers: ClinVar variation 954666 (VCV000954666.11), dbSNP rs772175973, ClinGen allele CA3221583.